The following is an entry in ClinVar:

ClinVar aggregate classification (germline): Uncertain significance (1 of 4 stars; one submission).

Conditions:
Hereditary cancer-predisposing syndrome. Also called: Tumor predisposition; Neoplastic Syndromes, Hereditary; Hereditary Cancer Syndrome; Hereditary neoplastic syndrome. Identifiers: Orphanet 140162, MedGen C0027672, MeSH D009386, MONDO:0015356.

Submission:

Ambry Genetics
Classification: Uncertain significance for Hereditary cancer-predisposing syndrome. Last evaluated: 2025-02-10. Review status: criteria provided, single submitter. Criteria: Ambry Variant Classification Scheme 2023. Collection method: clinical testing. Allele origin: germline.
Comment: The p.N660I variant (also known as c.1979A>T), located in coding exon 15 of the APC gene, results from an A to T substitution at nucleotide position 1979. The asparagine at codon 660 is replaced by isoleucine, an amino acid with dissimilar properties. This amino acid position is conserved. In addition, in silico predictors for this gene do not accurately predict pathogenicity. Based on the available evidence, the clinical significance of this variant remains unclear.

NM_000038.6(APC):c.1979A>T (p.Asn660Ile)

Gene: APC (APC regulator of Wnt signaling pathway; plus strand). Cytogenetic location: 5q22.2.
Variant type: single nucleotide variant.
Coding change: c.1979A>T on transcript NM_000038.6 (MANE Select); coding-DNA position 1979, A replaced by T.
Protein change: p.Asn660Ile; replaces asparagine 660 with isoleucine.
Molecular consequence: missense variant. On other transcripts: non-coding transcript variant (2).
Genome position (GRCh38, 1-based): chr5:112,837,573, A>T. VCF-style: chr5-112837573-A-T. GRCh37 (hg19) VCF-style: chr5-112173270-A-T.
Other names: c.1979A>T, p.Asn660Ile (NM_001127510.3, NM_001354895.2, NM_001407450.1); c.1925A>T, p.Asn642Ile (NM_001127511.3); c.2033A>T, p.Asn678Ile (NM_001354896.2, NM_001407447.1, NM_001407448.1 and 1 more transcripts); c.2009A>T, p.Asn670Ile (NM_001354897.2); c.1904A>T, p.Asn635Ile (NM_001354898.2); c.1895A>T, p.Asn632Ile (NM_001354899.2); c.1856A>T, p.Asn619Ile (NM_001354900.2); c.1802A>T, p.Asn601Ile (NM_001354901.2, NM_001407453.1); and 11 more; short protein forms N531I, N569I, N670I, N276I, N619I, N635I, N650I, N660I.
Identifiers: ClinVar variation 3882349 (VCV003882349.1).